The following is an entry in ClinVar:

NM_000444.6(PHEX):c.611T>A (p.Ile204Asn)

Gene: PHEX (phosphate regulating endopeptidase homolog X-linked; plus strand). Cytogenetic location: Xp22.11.
Variant type: single nucleotide variant.
Coding change: c.611T>A on transcript NM_000444.6 (MANE Select); coding-DNA position 611, T replaced by A.
Protein change: p.Ile204Asn; replaces isoleucine 204 with asparagine.
Molecular consequence: missense variant.
Genome position (GRCh38, 1-based): chrX:22,077,650, T>A. VCF-style: chrX-22077650-T-A. GRCh37 (hg19) VCF-style: chrX-22095768-T-A.
Other names: c.611T>A, p.Ile204Asn (NM_001282754.2); short protein forms I204N.
Identifiers: ClinVar variation 427089 (VCV000427089.3), dbSNP rs1085307950, ClinGen allele CA412571603.

ClinVar aggregate classification (germline): Likely pathogenic (1 of 4 stars; one submission).

Submission:

GeneDx
Classification: Likely pathogenic. Last evaluated: 2019-10-16. Review status: criteria provided, single submitter. Criteria: GeneDx Variant Classification Process June 2021. Collection method: clinical testing. Allele origin: germline. Affected: yes.
Comment: Not observed in large population cohorts (Lek et al., 2016); The majority of missense variants in this gene are considered pathogenic (Stenson et al., 2014); In silico analysis, which includes protein predictors and evolutionary conservation, supports a deleterious effect; Has not been previously published as pathogenic or benign to our knowledge